The following is an entry in ClinVar:

NM_212482.4(FN1):c.5342A>T (p.Gln1781Leu)

Gene: FN1 (fibronectin 1; minus strand). Cytogenetic location: 2q35.
Variant type: single nucleotide variant.
Coding change: c.5342A>T on transcript NM_212482.4 (MANE Select); coding-DNA position 5342, A replaced by T.
Protein change: p.Gln1781Leu; replaces glutamine 1781 with leucine.
Molecular consequence: missense variant. On other transcripts: intron variant (10).
Genome position (GRCh38, 1-based): chr2:215,380,903, T>A on the plus strand (A>T on the coding strand, the complement: FN1 is on the minus strand). VCF-style: chr2-215380903-T-A. GRCh37 (hg19) VCF-style: chr2-216245626-T-A.
Other names: c.5069A>T, p.Gln1690Leu (NM_001365524.2, NM_002026.4, NM_212478.3 and 2 more transcripts); c.4891+1309A>T (NM_212474.3, NM_001306132.2, NM_001365523.2 and 2 more transcripts); c.5164+1309A>T (NM_001306130.2, NM_001365522.2, NM_001365519.2 and 2 more transcripts); c.5342A>T, p.Gln1781Leu (NM_001306129.2); short protein forms Q1690L, Q1781L.
Identifiers: ClinVar variation 4527420 (VCV004527420.1).

ClinVar aggregate classification (germline): Uncertain significance (1 of 4 stars; one submission).

Submission:

GeneDx
Classification: Uncertain significance. Last evaluated: 2025-04-27. Review status: criteria provided, single submitter. Criteria: GeneDx Variant Classification Process June 2021. Collection method: clinical testing. Allele origin: germline. Affected: yes.
Comment: Not observed at significant frequency in large population cohorts (gnomAD); In silico analysis indicates that this missense variant does not alter protein structure/function; Has not been previously published as pathogenic or benign to our knowledge